The following is an entry in ClinVar:

ClinVar aggregate classification (germline): Uncertain significance (1 of 4 stars; one submission).

Submission:

Labcorp Genetics (formerly Invitae), Labcorp
Classification: Uncertain significance. Last evaluated: 2025-01-06. Review status: criteria provided, single submitter. Criteria: Invitae Variant Classification Sherloc (09022015). Collection method: clinical testing. Allele origin: germline.
Comment: This sequence change replaces glutamine, which is neutral and polar, with glutamic acid, which is acidic and polar, at codon 507 of the APC2 protein (p.Gln507Glu). This variant is not present in population databases (gnomAD no frequency). This variant has not been reported in the literature in individuals affected with APC2-related conditions. ClinVar contains an entry for this variant (Variation ID: 2148799). An algorithm developed to predict the effect of missense changes on protein structure and function (PolyPhen-2) suggests that this variant is likely to be disruptive. In summary, the available evidence is currently insufficient to determine the role of this variant in disease. Therefore, it has been classified as a Variant of Uncertain Significance.

NM_005883.3(APC2):c.1519C>G (p.Gln507Glu)

Gene: APC2 (APC regulator of Wnt signaling pathway 2; plus strand). Cytogenetic location: 19p13.3.
Variant type: single nucleotide variant.
Coding change: c.1519C>G on transcript NM_005883.3 (MANE Select); coding-DNA position 1519, C replaced by G.
Protein change: p.Gln507Glu; replaces glutamine 507 with glutamic acid.
Molecular consequence: missense variant.
Genome position (GRCh38, 1-based): chr19:1,460,855, C>G. VCF-style: chr19-1460855-C-G. GRCh37 (hg19) VCF-style: chr19-1460854-C-G.
Other names: c.1516C>G, p.Gln506Glu (NM_001351273.1); short protein forms Q507E, Q506E.
Identifiers: ClinVar variation 2148799 (VCV002148799.4), dbSNP rs2083911450, ClinGen allele CA403019663.